The following is an entry in ClinVar:

NM_002693.3(POLG):c.204G>C (p.Gln68His)

Genes: POLG (DNA polymerase gamma, catalytic subunit; minus strand), POLGARF (POLG alternative reading frame; minus strand). Cytogenetic location: 15q26.1.
Variant type: single nucleotide variant.
Coding change: c.204G>C on transcript NM_002693.3 (MANE Select); coding-DNA position 204, G replaced by C.
Protein change: p.Gln68His; replaces glutamine 68 with histidine.
Molecular consequence: missense variant.
Genome position (GRCh38, 1-based): chr15:89,333,551, C>G on the plus strand (G>C on the coding strand, the complement: POLG is on the minus strand). VCF-style: chr15-89333551-C-G. GRCh37 (hg19) VCF-style: chr15-89876782-C-G.
Other names: c.204G>C, p.Gln68His (NM_001126131.2); short protein forms Q68H.
Identifiers: ClinVar variation 2809832 (VCV002809832.3), dbSNP rs2509276536, ClinGen allele CA393773647.
Genomic context (GRCh38, chr15:89,333,551, plus strand): 5'-GAAGATTTGCTCGTGCAGCCCTCTCGAGAGCATCTGGATGTCCAATGGGTTGTGCCGCAG[C>G]TGCCCGCCCTCCGAGGATAGCACTTGCGGCTGCTGAGGCTGCTGTTGCTGCTGCTGCTGC-3'
Protein context (NP_002684.1, residues 58-78): QPQVLSSEGG[Gln68His]LRHNPLDIQM

ClinVar aggregate classification (germline): Uncertain significance (1 of 4 stars; one submission).

Conditions:
Progressive sclerosing poliodystrophy (MTDPS4A). Also called: ALPERS PROGRESSIVE INFANTILE POLIODYSTROPHY; NEURONAL DEGENERATION OF CHILDHOOD WITH LIVER DISEASE, PROGRESSIVE; Alpers Syndrome; ALPERS DIFFUSE DEGENERATION OF CEREBRAL GRAY MATTER WITH HEPATIC CIRRHOSIS; Alpers-Huttenlocher Syndrome; Mitochondrial DNA Depletion Syndrome 4A. Identifiers: Orphanet 726, MedGen C0205710, MONDO:0008758, OMIM 203700.

Allele frequency attached by ClinVar (database versions not stated): gnomAD exomes below 0.00001.
gnomAD v4.1: 1 of 1,612,114 alleles (0.000062%); highest among the groups gnomAD compares: Non-Finnish European, 0.000085%; no homozygotes.

Submission:

Labcorp Genetics (formerly Invitae), Labcorp
Classification: Uncertain significance for Progressive sclerosing poliodystrophy. Last evaluated: 2023-08-04. Review status: criteria provided, single submitter. Criteria: Invitae Variant Classification Sherloc (09022015). Collection method: clinical testing. Allele origin: germline.
Comment: In summary, the available evidence is currently insufficient to determine the role of this variant in disease. Therefore, it has been classified as a Variant of Uncertain Significance. Advanced modeling of protein sequence and biophysical properties (such as structural, functional, and spatial information, amino acid conservation, physicochemical variation, residue mobility, and thermodynamic stability) has been performed at Invitae for this missense variant, however the output from this modeling did not meet the statistical confidence thresholds required to predict the impact of this variant on POLG protein function. This variant has not been reported in the literature in individuals affected with POLG-related conditions. This variant is not present in population databases (gnomAD no frequency). This sequence change replaces glutamine, which is neutral and polar, with histidine, which is basic and polar, at codon 68 of the POLG protein (p.Gln68His).